The following is an entry in ClinVar:

NM_001166108.2(PALLD):c.1965-12670G>C

Gene: PALLD (palladin, cytoskeletal associated protein; plus strand). Cytogenetic location: 4q32.3.
Variant type: single nucleotide variant.
Coding change: c.1965-12670G>C on transcript NM_001166108.2 (MANE Select); 12670 bases into the intron before coding-DNA position 1965, G replaced by C.
Molecular consequence: intron variant. On other transcripts: missense variant (1).
Genome position (GRCh38, 1-based): chr4:168,878,252, G>C. VCF-style: chr4-168878252-G-C. GRCh37 (hg19) VCF-style: chr4-169799403-G-C.
Other names: c.361G>C, p.Gly121Arg (NM_001166110.2); c.1965-12670G>C (NM_016081.4); c.819-12670G>C (NM_001166109.2); c.-157-12670G>C (NM_001367570.1, NM_001367568.1, NM_001367567.1 and 1 more transcripts); short protein forms G121R.
Identifiers: ClinVar variation 4130388 (VCV004130388.1).

ClinVar aggregate classification (germline): Uncertain significance (1 of 4 stars; one submission).

Submission:

Ambry Genetics
Classification: Uncertain significance. Last evaluated: 2025-06-20. Review status: criteria provided, single submitter. Criteria: Ambry Variant Classification Scheme 2023. Collection method: clinical testing. Allele origin: germline.
Comment: The p.G121R variant (also known as c.361G>C), located in coding exon 1 of the PALLD gene, results from a G to C substitution at nucleotide position 361. The glycine at codon 121 is replaced by arginine, an amino acid with dissimilar properties. This amino acid position is conserved. In addition, this alteration is predicted to be tolerated by in silico analysis. Based on the available evidence, the clinical significance of this variant remains unclear.